The following is an entry in ClinVar:

ClinVar aggregate classification (germline): Pathogenic/Likely pathogenic. Review status: criteria provided, multiple submitters, no conflicts (2 of 4 stars). 3 submissions from 3 submitters: Pathogenic (1); Likely pathogenic (1). 1 of the submissions does not count toward it. Last evaluated 2025-07-10.

Conditions:
ABCA4-related disorder. Also called: ABCA4-related condition; ABCA4-related disorders. Identifiers: MedGen CN239167.
Severe early-childhood-onset retinal dystrophy (STGD1). Also called: MACULAR DYSTROPHY WITH FLECKS, TYPE 1; STGD; Stargardt disease 1; Stargardt macular dystrophy; Juvenile onset macular degeneration. Identifiers: Orphanet 364055, Orphanet 827, MedGen C1855465, MeSH D000080362, MONDO:0009549, OMIM 248200.

Allele frequency attached by ClinVar (database versions not stated): gnomAD 0.00001; gnomAD exomes below 0.00001; TOPMed below 0.00001.
gnomAD v4.1: 2 of 1,614,090 alleles (0.00012%); highest among the groups gnomAD compares: African/African-American, 0.0013%; no homozygotes.

Submissions (3):

3billion
Classification: Likely pathogenic for Severe early-childhood-onset retinal dystrophy. Last evaluated: 2025-07-10. Review status: criteria provided, single submitter. Criteria: ACMG Guidelines, 2015. Collection method: clinical testing. Allele origin: germline. Affected: yes.
Comment: The variant is observed at an extremely low frequency in the gnomAD v4.1.0 dataset (total allele frequency: <0.001%). Predicted Consequence/Location: Missense variant In silico tool predictions suggest damaging effect of the variant on gene or gene product [REVEL: 0.94 (>=0.6, sensitivity 0.68 and specificity 0.92); 3Cnet: 0.97 (> 0.75, sensitivity 0.96 and precision 0.92)]. The same nucleotide change resulting in the same amino acid change has been previously reported to be associated with ABCA4-related disorder (PMID: 11527935). A different missense change at the same codon (p.Cys2150Tyr) has been reported as pathogenic/likely pathogenic with strong evidence (ClinVar ID: VCV000099463 /PMID: 10206579). Therefore, this variant is classified as Likely pathogenic according to the recommendation of ACMG/AMP guideline.

Blueprint Genetics
Classification: Pathogenic for ABCA4-related disorders. Last evaluated: 2021-12-03. Review status: criteria provided, single submitter. Criteria: ACMG Guidelines, 2015. Collection method: clinical testing. Allele origin: germline. Affected: yes. Observed: 3 variant alleles.

Retina International
No classification provided. Review status: no classification provided. Collection method: not provided. Allele origin: not provided. Not counted in ClinVar's aggregate classification.

Literature cited by the submitters: PubMed 10206579 (cited by 3billion); PubMed 11527935 (cited by 3billion).

NM_000350.3(ABCA4):c.6448T>C (p.Cys2150Arg)

Gene: ABCA4 (ATP binding cassette subfamily A member 4; minus strand). Cytogenetic location: 1p22.1.
Variant type: single nucleotide variant.
Coding change: c.6448T>C on transcript NM_000350.3 (MANE Select); coding-DNA position 6448, T replaced by C.
Protein change: p.Cys2150Arg; replaces cysteine 2150 with arginine.
Molecular consequence: missense variant.
Genome position (GRCh38, 1-based): chr1:94,000,867, A>G on the plus strand (T>C on the coding strand, the complement: ABCA4 is on the minus strand). VCF-style: chr1-94000867-A-G. GRCh37 (hg19) VCF-style: chr1-94466423-A-G.
Other names: c.6226T>C, p.Cys2076Arg (NM_001425324.1); short protein forms C2150R, C2076R.
Identifiers: ClinVar variation 99462 (VCV000099462.3), dbSNP rs61750656, ClinGen allele CA227407.
Genomic context (GRCh38, chr1:94,000,867, plus strand): 5'-ACAAGGGGCACGCCCCACCATCTGCTTACTTGGACTTGAGATGCTGAATGGTGCCCATAC[A>G]TCGAAAGGCGCCCTTTACCATGATGGCCAGCCGGGTACACAGTGCCTCACATTCTTCCAT-3'
Protein context (NP_000341.2, residues 2140-2160): LAIMVKGAFR[Cys2150Arg]MGTIQHLKSK